The following is an entry in ClinVar:

NM_000548.5(TSC2):c.3293C>T (p.Pro1098Leu)

Gene: TSC2 (TSC complex subunit 2; plus strand). Cytogenetic location: 16p13.3.
Variant type: single nucleotide variant.
Coding change: c.3293C>T on transcript NM_000548.5 (MANE Select); coding-DNA position 3293, C replaced by T.
Protein change: p.Pro1098Leu; replaces proline 1098 with leucine.
Molecular consequence: missense variant.
Genome position (GRCh38, 1-based): chr16:2,079,565, C>T. VCF-style: chr16-2079565-C-T. GRCh37 (hg19) VCF-style: chr16-2129566-C-T.
Other names: c.3161C>T, p.Pro1054Leu (NM_001077183.3, NM_001370404.1); c.3293C>T, p.Pro1098Leu (NM_001114382.3); c.3053C>T, p.Pro1018Leu (NM_001318827.2); c.3017C>T, p.Pro1006Leu (NM_001318829.2); c.2561C>T, p.Pro854Leu (NM_001318831.2); c.3194C>T, p.Pro1065Leu (NM_001318832.2); c.3164C>T, p.Pro1055Leu (NM_001363528.2, NM_001370405.1, NM_021055.3); short protein forms P1098L, P1055L, P1065L, P1006L, P1018L, P1054L, P854L.
Identifiers: ClinVar variation 405953 (VCV000405953.26), dbSNP rs773545852, ClinGen allele CA045588.

ClinVar aggregate classification (germline): Conflicting classifications of pathogenicity. Review status: criteria provided, conflicting classifications (1 of 4 stars). 8 submissions from 8 submitters: Uncertain significance (2); Benign (1); Likely benign (5). Last evaluated 2026-01-06.

Conditions:
Hereditary cancer-predisposing syndrome. Also called: Tumor predisposition; Neoplastic Syndromes, Hereditary; Hereditary Cancer Syndrome; Hereditary neoplastic syndrome. Identifiers: Orphanet 140162, MedGen C0027672, MeSH D009386, MONDO:0015356.
Tuberous sclerosis syndrome (TSC). Also called: Tuberous Sclerosis Complex; Tuberous sclerosis. Identifiers: Orphanet 805, MedGen C0041341, MONDO:0001734.
Tuberous sclerosis 2 (TSC2). Identifiers: Orphanet 805, MedGen C1860707, MONDO:0013199, OMIM 613254.

Allele frequency attached by ClinVar (database versions not stated): gnomAD 0.00001 and 0.00002; TOPMed 0.00003.
gnomAD v4.1: 26 of 1,610,498 alleles (0.0016%); highest among the groups gnomAD compares: Non-Finnish European, 0.00042%; no homozygotes.

Submissions (8):

Labcorp Genetics (formerly Invitae), Labcorp
Classification: Benign for Tuberous sclerosis 2. Last evaluated: 2026-01-06. Review status: criteria provided, single submitter. Criteria: Invitae Variant Classification Sherloc (09022015). Collection method: clinical testing. Allele origin: germline.

Color Diagnostics, LLC DBA Color Health
Classification: Likely benign for Tuberous sclerosis syndrome. Last evaluated: 2025-07-21. Review status: criteria provided, single submitter. Criteria: ACMG Guidelines, 2015. Collection method: clinical testing. Allele origin: germline.

Quest Diagnostics Nichols Institute San Juan Capistrano
Classification: Likely benign. Last evaluated: 2025-01-02. Review status: criteria provided, single submitter. Criteria: Quest Diagnostics criteria. Collection method: clinical testing. Allele origin: unknown.

Genome-Nilou Lab
Classification: Likely benign for Tuberous sclerosis 2. Last evaluated: 2021-11-07. Review status: criteria provided, single submitter. Criteria: ACMG Guidelines, 2015. Collection method: clinical testing. Allele origin: germline. Affected: no.

Sema4
Classification: Uncertain significance for Hereditary cancer-predisposing syndrome. Last evaluated: 2021-09-11. Review status: criteria provided, single submitter. Criteria: Sema4 Curation Guidelines. Collection method: curation. Allele origin: germline.
Comment: To the best of our knowledge, the TSC2 c.3293C>T (p.P1098L) variant has not been reported in individuals with TSC2-related disease. It was observed in 4/9846 chromosomes of the Ashkenazi Jewish subpopulation in the large and broad cohorts of the Genome Aggregation Database (PMID: 32461654). The variant has been reported in ClinVar (Variation ID 405953). Functional studies have not been performed, and in silico predictions of the variant's effect on protein function are inconclusive. The evidence is insufficient to meet ACMG/AMP criteria for classifying the variant as benign or pathogenic. Thus, the clinical significance of this variant is currently uncertain.

Ambry Genetics
Classification: Likely benign for Hereditary cancer-predisposing syndrome. Last evaluated: 2021-03-30. Review status: criteria provided, single submitter. Criteria: Ambry Variant Classification Scheme 2023. Collection method: clinical testing. Allele origin: germline.

GeneDx
Classification: Likely benign. Last evaluated: 2020-01-21. Review status: criteria provided, single submitter. Criteria: GeneDx Variant Classification Process June 2021. Collection method: clinical testing. Allele origin: germline. Affected: yes.
Comment: This variant is associated with the following publications: (PMID: 28250423)

Baylor Genetics
Classification: Uncertain significance for Tuberous sclerosis 2. Last evaluated: 2019-05-30. Review status: criteria provided, single submitter. Criteria: ACMG Guidelines, 2015. Collection method: clinical testing. Allele origin: paternal. Affected: yes. Study: CSER-TexasKidsCanSeq.
Comment: This variant was determined to be of uncertain significance according to ACMG Guidelines, 2015 [PMID:25741868].